The following is an entry in ClinVar:

ClinVar aggregate classification (germline): Uncertain significance (1 of 4 stars; one submission).

Conditions:
KDM6B-related intellectual developmental disorder.

Submission:

Dasa
Classification: Uncertain significance for KDM6B-related intellectual developmental disorder. Last evaluated: 2025-10-29. Review status: criteria provided, single submitter. Criteria: DASA Assertion Criteria. Collection method: clinical testing. Allele origin: germline.
Comment: NM_001348716.2(KDM6B):c.4652G>C (p.Arg1551Pro) is a missense variant that results in the substitution of arginine with proline. This variant is absent from population databases. The currently available literature and clinical evidence are not sufficient to establish a definitive association between this variant and the reported condition. Therefore, this variant is classified as a variant of uncertain significance.

NM_001348716.2(KDM6B):c.4652G>C (p.Arg1551Pro)

Gene: KDM6B (lysine demethylase 6B; plus strand). Cytogenetic location: 17p13.1.
Variant type: single nucleotide variant.
Coding change: c.4652G>C on transcript NM_001348716.2 (MANE Select); coding-DNA position 4652, G replaced by C.
Protein change: p.Arg1551Pro; replaces arginine 1551 with proline.
Molecular consequence: missense variant.
Genome position (GRCh38, 1-based): chr17:7,853,041, G>C. VCF-style: chr17-7853041-G-C. GRCh37 (hg19) VCF-style: chr17-7756359-G-C.
Other names: c.4652G>C, p.Arg1551Pro (NM_001080424.2); short protein forms R1551P.
Identifiers: ClinVar variation 4883485 (VCV004883485.2).